The following is an entry in ClinVar:

ClinVar aggregate classification (germline): Uncertain significance (1 of 4 stars; one submission).

Submission:

Labcorp Genetics (formerly Invitae), Labcorp
Classification: Uncertain significance. Last evaluated: 2025-11-22. Review status: criteria provided, single submitter. Criteria: Invitae Variant Classification Sherloc (09022015). Collection method: clinical testing. Allele origin: germline.
Comment: This sequence change falls in intron 6 of the SH3KBP1 gene. It does not directly change the encoded amino acid sequence of the SH3KBP1 protein. It affects a nucleotide within the consensus splice site. This variant is not present in population databases (gnomAD no frequency). This variant has not been reported in the literature in individuals affected with SH3KBP1-related conditions. Variants that disrupt the consensus splice site are a relatively common cause of aberrant splicing (PMID: 17576681, 9536098). Algorithms developed to predict the effect of sequence changes on RNA splicing suggest that this variant is not likely to affect RNA splicing. In summary, the available evidence is currently insufficient to determine the role of this variant in disease. Therefore, it has been classified as a Variant of Uncertain Significance.

Literature cited by the submitters: PubMed 17576681; PubMed 9536098.

NM_031892.3(SH3KBP1):c.726+4T>C

Gene: SH3KBP1 (SH3 domain containing kinase binding protein 1; minus strand). Cytogenetic location: Xp22.12.
Variant type: single nucleotide variant.
Coding change: c.726+4T>C on transcript NM_031892.3 (MANE Select); 4 bases into the intron after coding-DNA position 726, T replaced by C.
Molecular consequence: intron variant.
Genome position (GRCh38, 1-based): chrX:19,683,819, A>G on the plus strand (T>C on the coding strand, the complement: SH3KBP1 is on the minus strand). VCF-style: chrX-19683819-A-G. GRCh37 (hg19) VCF-style: chrX-19701937-A-G.
Other names: c.726+4T>C (NM_001353890.2); c.801+4T>C (NM_001353892.2, NM_001353891.2); c.858+4T>C (NM_001410757.1, NM_001410756.1); c.624+4T>C (NM_001353894.2, NM_001353893.2); c.681+4T>C (NM_001353895.2); c.549+4T>C (NM_001410758.1); c.615+4T>C (NM_001024666.3).
Identifiers: ClinVar variation 4750443 (VCV004750443.1).